The following is an entry in ClinVar:

NM_001256789.3(CACNA1F):c.3036+1G>A

Gene: CACNA1F (calcium voltage-gated channel subunit alpha1 F; minus strand). Cytogenetic location: Xp11.23.
Variant type: single nucleotide variant.
Coding change: c.3036+1G>A on transcript NM_001256789.3 (MANE Select); the canonical splice donor site of the intron after coding-DNA position 3036, G replaced by A.
Molecular consequence: splice donor variant.
Genome position (GRCh38, 1-based): chrX:49,217,897, C>T on the plus strand (G>A on the coding strand, the complement: CACNA1F is on the minus strand). VCF-style: chrX-49217897-C-T. GRCh37 (hg19) VCF-style: chrX-49074356-C-T.
Other names: c.3069+1G>A (NM_005183.4); c.2874+1G>A (NM_001256790.3).
Identifiers: ClinVar variation 2019020 (VCV002019020.4), dbSNP rs2520905278, ClinGen allele CA412964317.
Genomic context (GRCh38, chrX:49,217,897, plus strand): 5'-CACCCTTCATCACACTCCCGCCCAGACCCCTGCCTGGCATTCCCTCCAGTGTTTGCCCCA[C>T]CTTGAAGAGCTGCACCCCGATGCAGGCGAACATAAATTGCAGAAGTGTGGTGACAATCAT-3'

ClinVar aggregate classification (germline): Likely pathogenic (1 of 4 stars; one submission).

Submission:

Labcorp Genetics (formerly Invitae), Labcorp
Classification: Likely pathogenic. Last evaluated: 2023-08-04. Review status: criteria provided, single submitter. Criteria: Invitae Variant Classification Sherloc (09022015). Collection method: clinical testing. Allele origin: germline.
Comment: In summary, the currently available evidence indicates that the variant is pathogenic, but additional data are needed to prove that conclusively. Therefore, this variant has been classified as Likely Pathogenic. Algorithms developed to predict the effect of sequence changes on RNA splicing suggest that this variant may disrupt the consensus splice site. ClinVar contains an entry for this variant (Variation ID: 2019020). This variant has not been reported in the literature in individuals affected with CACNA1F-related conditions. This variant is not present in population databases (gnomAD no frequency). This sequence change affects a donor splice site in intron 25 of the CACNA1F gene. It is expected to disrupt RNA splicing. Variants that disrupt the donor or acceptor splice site typically lead to a loss of protein function (PMID: 16199547), and loss-of-function variants in CACNA1F are known to be pathogenic (PMID: 9662399, 11281458, 17525176, 22194652, 24124559, 26992781).

Literature cited by the submitters: PubMed 16199547; PubMed 9662399; PubMed 11281458; PubMed 17525176; PubMed 22194652; PubMed 24124559; PubMed 26992781.